The following is an entry in ClinVar:

NM_015425.6(POLR1A):c.1087-2A>G

Gene: POLR1A (RNA polymerase I subunit A; minus strand). Cytogenetic location: 2p11.2.
Variant type: single nucleotide variant.
Coding change: c.1087-2A>G on transcript NM_015425.6 (MANE Select); the canonical splice acceptor site of the intron before coding-DNA position 1087, A replaced by G.
Molecular consequence: splice acceptor variant.
Genome position (GRCh38, 1-based): chr2:86,078,286, T>C on the plus strand (A>G on the coding strand, the complement: POLR1A is on the minus strand). VCF-style: chr2-86078286-T-C. GRCh37 (hg19) VCF-style: chr2-86305409-T-C.
Identifiers: ClinVar variation 2007096 (VCV002007096.4), dbSNP rs2466442421, ClinGen allele CA347552818.
Genomic context (GRCh38, chr2:86,078,286, plus strand): 5'-GACTGGCCTGGAAGTGTACTCAAAAAGGATCGGTCAATAGCAATCAAAGAGTCTTTTTCC[T>C]GGAAGATGAAACCAAGAAAACAGGGATGATGGAAAAAAGCTCCAAAAGGCCTGGCTTGAT-3'

ClinVar aggregate classification (germline): Uncertain significance (1 of 4 stars; one submission).

Submission:

Labcorp Genetics (formerly Invitae), Labcorp
Classification: Uncertain significance. Last evaluated: 2022-08-12. Review status: criteria provided, single submitter. Criteria: Invitae Variant Classification Sherloc (09022015). Collection method: clinical testing. Allele origin: germline.
Comment: This variant has not been reported in the literature in individuals affected with POLR1A-related conditions. This variant is not present in population databases (gnomAD no frequency). This sequence change affects an acceptor splice site in intron 9 of the POLR1A gene. It is expected to disrupt RNA splicing. Variants that disrupt the donor or acceptor splice site typically lead to a loss of protein function (PMID: 16199547), however the current clinical and genetic evidence is not sufficient to establish whether loss-of-function variants in POLR1A cause disease. Algorithms developed to predict the effect of sequence changes on RNA splicing suggest that this variant may disrupt the consensus splice site. In summary, the available evidence is currently insufficient to determine the role of this variant in disease. Therefore, it has been classified as a Variant of Uncertain Significance.

Literature cited by the submitters: PubMed 16199547.